The following is an entry in ClinVar:

NM_017654.4(SAMD9):c.376T>C (p.Ser126Pro)

Gene: SAMD9 (sterile alpha motif domain containing 9; minus strand). Cytogenetic location: 7q21.2.
Variant type: single nucleotide variant.
Coding change: c.376T>C on transcript NM_017654.4 (MANE Select); coding-DNA position 376, T replaced by C.
Protein change: p.Ser126Pro; replaces serine 126 with proline.
Molecular consequence: missense variant.
Genome position (GRCh38, 1-based): chr7:93,105,722, A>G on the plus strand (T>C on the coding strand, the complement: SAMD9 is on the minus strand). VCF-style: chr7-93105722-A-G. GRCh37 (hg19) VCF-style: chr7-92735035-A-G.
Other names: c.376T>C (NM_017654.3); c.376T>C, p.Ser126Pro (NM_001193307.2); short protein forms S126P.
Identifiers: ClinVar variation 2963755 (VCV002963755.4), dbSNP rs1791627801, ClinGen allele CA368205376.

ClinVar aggregate classification (germline): Uncertain significance. Review status: criteria provided, multiple submitters, no conflicts (2 of 4 stars). 2 submissions from 2 submitters: Uncertain significance (2). Last evaluated 2025-04-19.

Conditions:
Inborn genetic diseases. Identifiers: MedGen C0950123, MeSH D030342.

Allele frequency attached by ClinVar (database versions not stated): gnomAD exomes below 0.00001.
gnomAD v4.1: 4 of 1,614,070 alleles (0.00025%); highest among the groups gnomAD compares: South Asian, 0.0011%; no homozygotes.

Submissions (2):

Ambry Genetics
Classification: Uncertain significance for Inborn genetic diseases. Last evaluated: 2025-04-19. Review status: criteria provided, single submitter. Criteria: Ambry Variant Classification Scheme 2023. Collection method: clinical testing. Allele origin: germline.
Comment: The p.S126P variant (also known as c.376T>C), located in coding exon 1 of the SAMD9 gene, results from a T to C substitution at nucleotide position 376. The serine at codon 126 is replaced by proline, an amino acid with similar properties. This amino acid position is conserved. In addition, this alteration is predicted to be tolerated by in silico analysis. Based on the available evidence, the clinical significance of this variant remains unclear.

Labcorp Genetics (formerly Invitae), Labcorp
Classification: Uncertain significance. Last evaluated: 2023-08-06. Review status: criteria provided, single submitter. Criteria: Invitae Variant Classification Sherloc (09022015). Collection method: clinical testing. Allele origin: germline.
Comment: This sequence change replaces serine, which is neutral and polar, with proline, which is neutral and non-polar, at codon 126 of the SAMD9 protein (p.Ser126Pro). This variant is not present in population databases (gnomAD no frequency). This variant has not been reported in the literature in individuals affected with SAMD9-related conditions. Advanced modeling of protein sequence and biophysical properties (such as structural, functional, and spatial information, amino acid conservation, physicochemical variation, residue mobility, and thermodynamic stability) performed at Invitae indicates that this missense variant is not expected to disrupt SAMD9 protein function. In summary, the available evidence is currently insufficient to determine the role of this variant in disease. Therefore, it has been classified as a Variant of Uncertain Significance.